The following is an entry in ClinVar:

NM_020937.4(FANCM):c.4355C>T (p.Ala1452Val)

Gene: FANCM (FA complementation group M; plus strand). Cytogenetic location: 14q21.2.
Variant type: single nucleotide variant.
Coding change: c.4355C>T on transcript NM_020937.4 (MANE Select); coding-DNA position 4355, C replaced by T.
Protein change: p.Ala1452Val; replaces alanine 1452 with valine.
Molecular consequence: missense variant.
Genome position (GRCh38, 1-based): chr14:45,181,674, C>T. VCF-style: chr14-45181674-C-T. GRCh37 (hg19) VCF-style: chr14-45650877-C-T.
Other names: c.4277C>T, p.Ala1426Val (NM_001308133.2); short protein forms A1426V, A1452V.
Identifiers: ClinVar variation 3848658 (VCV003848658.1).
Genomic context (GRCh38, chr14:45,181,674, plus strand): 5'-TTTACTTTATTTACTTACTTTAGGATCAGAAAAATAGTGAAGTTGATTCTCCACTTCATG[C>T]TGTCAAAAAGCGCAGATTTCCTATAAACAGAGTAAGTAAATACCAGGTAATGTATAGTAA-3'
Protein context (NP_065988.1, residues 1442-1462): KNSEVDSPLH[Ala1452Val]VKKRRFPINR

ClinVar aggregate classification (germline): Uncertain significance (1 of 4 stars; one submission).

Conditions:
Inborn genetic diseases. Identifiers: MedGen C0950123, MeSH D030342.

Submission:

Ambry Genetics
Classification: Uncertain significance for Inborn genetic diseases. Last evaluated: 2025-01-25. Review status: criteria provided, single submitter. Criteria: Ambry Variant Classification Scheme 2023. Collection method: clinical testing. Allele origin: germline.
Comment: The p.A1452V variant (also known as c.4355C>T), located in coding exon 16 of the FANCM gene, results from a C to T substitution at nucleotide position 4355. The alanine at codon 1452 is replaced by valine, an amino acid with similar properties. This amino acid position is conserved. In addition, this alteration is predicted to be tolerated by in silico analysis. Based on the available evidence, the clinical significance of this variant remains unclear.